The following is an entry in ClinVar:

ClinVar aggregate classification (germline): Uncertain significance (1 of 4 stars; one submission).

Submission:

Labcorp Genetics (formerly Invitae), Labcorp
Classification: Uncertain significance. Last evaluated: 2025-03-31. Review status: criteria provided, single submitter. Criteria: Invitae Variant Classification Sherloc (09022015). Collection method: clinical testing. Allele origin: germline.
Comment: This sequence change replaces cysteine, which is neutral and slightly polar, with serine, which is neutral and polar, at codon 61 of the DTHD1 protein (p.Cys61Ser). This variant is not present in population databases (gnomAD no frequency). This variant has not been reported in the literature in individuals affected with DTHD1-related conditions. ClinVar contains an entry for this variant (Variation ID: 2008611). An algorithm developed to predict the effect of missense changes on protein structure and function outputs the following: PolyPhen-2: "Benign". The serine amino acid residue is found in multiple mammalian species, which suggests that this missense change does not adversely affect protein function. In summary, the available evidence is currently insufficient to determine the role of this variant in disease. Therefore, it has been classified as a Variant of Uncertain Significance.

NM_001170700.3(DTHD1):c.1051T>A (p.Cys351Ser)

Gene: DTHD1 (death domain containing 1; plus strand). Cytogenetic location: 4p14.
Variant type: single nucleotide variant.
Coding change: c.1051T>A on transcript NM_001170700.3 (MANE Select); coding-DNA position 1051, T replaced by A.
Protein change: p.Cys351Ser; replaces cysteine 351 with serine.
Molecular consequence: missense variant. On other transcripts: non-coding transcript variant (2).
Genome position (GRCh38, 1-based): chr4:36,290,536, T>A. VCF-style: chr4-36290536-T-A. GRCh37 (hg19) VCF-style: chr4-36292158-T-A.
Other names: c.181T>A, p.Cys61Ser (NM_001136536.5, NM_001378435.1); short protein forms C61S, C351S.
Identifiers: ClinVar variation 2008611 (VCV002008611.4), dbSNP rs2529717907, ClinGen allele CA356678925.
Genomic context (GRCh38, chr4:36,290,536, plus strand): 5'-ATGAGTTCTTTAATAGTGGGTGATAATGAAGAGTTAGTTAGCAACGTCATAACTATTGAA[T>A]GCTCAGATAAGGAAAAGAGAGTTCCATTTCCAATAGGCATTGCAATTCCATTTACTGCAC-3'
Protein context (NP_001164171.2, residues 341-361): ELVSNVITIE[Cys351Ser]SDKEKRVPFP